The following is an entry in ClinVar:

ClinVar aggregate classification (germline): Uncertain significance (1 of 4 stars; one submission).

Conditions:
Developmental and epileptic encephalopathy, 12 (DEE12). Identifiers: MedGen C3150988, MONDO:0013389, OMIM 613722.

Submission:

Neuberg Centre For Genomic Medicine, NCGM
Classification: Uncertain significance for Developmental and epileptic encephalopathy, 12. Last evaluated: 2023-05-20. Review status: criteria provided, single submitter. Criteria: ACMG Guidelines, 2015. Collection method: clinical testing. Allele origin: germline. Inheritance: Autosomal recessive inheritance. Affected: yes.
Comment: The observed missense variant c.928G>A (p.Glu310Lys) in PLCB1 gene has not been reported previously as a pathogenic variant nor as a benign variant, to our knowledge. The p.Glu310Lys variant is absent in gnomAD Exomes database. This variant has not been submitted to the ClinVar database. Multiple lines of computational evidence (SIFT - damaging; Polyphen - probably damaging; MutationTaster - disease causing) predict a damaging effect on protein structure and function for this variant. The amino acid change p.Glu310Lys in PLCB1 is predicted as conserved by GERP++ and PhyloP across 100 vertebrates. The amino acid Glu at position 310 is changed to a Lys changing protein sequence and it might alter its composition and physico-chemical properties. For these reasons, this variant has been classified as a Variant of Uncertain Significance (VUS).

NM_015192.4(PLCB1):c.928G>A (p.Glu310Lys)

Gene: PLCB1 (phospholipase C beta 1; plus strand). Cytogenetic location: 20p12.3.
Variant type: single nucleotide variant.
Coding change: c.928G>A on transcript NM_015192.4 (MANE Select); coding-DNA position 928, G replaced by A.
Protein change: p.Glu310Lys; replaces glutamic acid 310 with lysine.
Molecular consequence: missense variant.
Genome position (GRCh38, 1-based): chr20:8,684,997, G>A. VCF-style: chr20-8684997-G-A. GRCh37 (hg19) VCF-style: chr20-8665644-G-A.
Other names: c.928G>A, p.Glu310Lys (NM_182734.3); short protein forms E310K.
Identifiers: ClinVar variation 3341307 (VCV003341307.1).